The following is an entry in ClinVar:

ClinVar aggregate classification (germline): Conflicting classifications of pathogenicity. Review status: criteria provided, conflicting classifications (1 of 4 stars). 9 submissions from 9 submitters: Uncertain significance (1); Benign (1); Likely benign (4). 3 of the submissions do not count toward it. Last evaluated 2025-12-17.

Conditions:
Inborn genetic diseases. Identifiers: MedGen C0950123, MeSH D030342.
Frontotemporal dementia and/or amyotrophic lateral sclerosis 6 (FTDALS6). Also called: VCP-Related Amyotrophic Lateral Sclerosis; VCP-Related Amyotrophic Lateral Sclerosis/Frontotemporal Dementia. Identifiers: Orphanet 275872, Orphanet 803, MedGen C5436279, MONDO:0013501, OMIM 613954.
Inclusion body myopathy with Paget disease of bone and frontotemporal dementia. Also called: Inclusion body myopathy with early-onset Paget disease and frontotemporal dementia. Identifiers: Orphanet 52430, MedGen C1833662, MONDO:0000507.
Inclusion body myopathy with Paget disease of bone and frontotemporal dementia type 1. Also called: Inclusion body myopathy with early-onset Paget disease and frontotemporal dementia 1; MULTISYSTEM PROTEINOPATHY 1; Inclusion body myopathy with early-onset Paget disease with or without frontotemporal dementia 1. Identifiers: MedGen C4551951, MONDO:0008178, OMIM 167320.
VCP-related disorder. Also called: VCP-related disorders; VCP-related condition.

Allele frequency attached by ClinVar (database versions not stated): TOPMed 0.00008; gnomAD 0.00009 and 0.00013; gnomAD exomes 0.00017 and 0.00035; ExAC 0.00041; 1000 Genomes Project 0.00080; 1000 Genomes Project 30x 0.00094.
gnomAD v4.1: 269 of 1,613,282 alleles (0.017%); highest among the groups gnomAD compares: South Asian, 0.18%; 1 homozygote.

Submissions (9):

Labcorp Genetics (formerly Invitae), Labcorp
Classification: Likely benign for Inclusion body myopathy with Paget disease of bone and frontotemporal dementia; Frontotemporal dementia and/or amyotrophic lateral sclerosis 6. Last evaluated: 2025-12-17. Review status: criteria provided, single submitter. Criteria: Invitae Variant Classification Sherloc (09022015). Collection method: clinical testing. Allele origin: germline.

Genomic Medicine Center of Excellence, King Faisal Specialist Hospital and Research Centre
Classification: Likely benign for Inclusion body myopathy with Paget disease of bone and frontotemporal dementia type 1. Last evaluated: 2025-09-10. Review status: criteria provided, single submitter. Criteria: ACMG Guidelines, 2015. Collection method: clinical testing. Allele origin: germline.

Blueprint Genetics
Classification: Likely benign. Last evaluated: 2024-07-01. Review status: criteria provided, single submitter. Criteria: ACMG Guidelines, 2015. Collection method: clinical testing. Allele origin: germline.

Revvity Omics, Revvity
Classification: Uncertain significance. Last evaluated: 2023-07-18. Review status: criteria provided, single submitter. Criteria: ACMG Guidelines, 2015. Collection method: clinical testing. Allele origin: germline.

GeneDx
Classification: Benign. Last evaluated: 2021-02-19. Review status: criteria provided, single submitter. Criteria: GeneDx Variant Classification Process June 2021. Collection method: clinical testing. Allele origin: germline. Affected: yes.
Comment: This variant is associated with the following publications: (PMID: 27990419, 32403337, 27439681)

Ambry Genetics
Classification: Likely benign for Inborn genetic diseases. Last evaluated: 2019-12-30. Review status: criteria provided, single submitter. Criteria: Ambry Variant Classification Scheme 2023. Collection method: clinical testing. Allele origin: germline.

PreventionGenetics, part of Exact Sciences
Classification: Likely benign for VCP-related condition. Last evaluated: 2023-05-24. Review status: no assertion criteria provided. Collection method: clinical testing. Allele origin: germline. Not counted in ClinVar's aggregate classification.
Comment: This variant is classified as likely benign based on ACMG/AMP sequence variant interpretation guidelines (Richards et al. 2015 PMID: 25741868, with internal and published modifications).

Clinical Genetics, Academic Medical Center
Classification: Uncertain significance. Review status: no assertion criteria provided. Collection method: clinical testing. Allele origin: germline. Affected: yes. Study: VKGL Data-share Consensus. Not counted in ClinVar's aggregate classification.

Genome Diagnostics Laboratory, Amsterdam University Medical Center
Classification: Uncertain significance. Review status: no assertion criteria provided. Collection method: clinical testing. Allele origin: germline. Affected: yes. Study: VKGL Data-share Consensus. Not counted in ClinVar's aggregate classification.

NM_007126.5(VCP):c.1202A>G (p.Asn401Ser)

Gene: VCP (valosin containing protein; minus strand). Cytogenetic location: 9p13.3.
Variant type: single nucleotide variant.
Coding change: c.1202A>G on transcript NM_007126.5 (MANE Select); coding-DNA position 1202, A replaced by G.
Protein change: p.Asn401Ser; replaces asparagine 401 with serine.
Molecular consequence: missense variant.
Genome position (GRCh38, 1-based): chr9:35,061,172, T>C on the plus strand (A>G on the coding strand, the complement: VCP is on the minus strand). VCF-style: chr9-35061172-T-C. GRCh37 (hg19) VCF-style: chr9-35061169-T-C.
Other names: c.1067A>G, p.Asn356Ser (NM_001354927.2, NM_001354928.2); short protein forms N401S, N356S.
Identifiers: ClinVar variation 464105 (VCV000464105.24), dbSNP rs148329626, ClinGen allele CA5039291.